The following is an entry in ClinVar:

ClinVar aggregate classification (germline): Uncertain significance. Review status: criteria provided, multiple submitters, no conflicts (2 of 4 stars). 2 submissions from 2 submitters: Uncertain significance (2). Last evaluated 2025-09-01.

gnomAD v4.1: 9 of 1,586,460 alleles (0.00057%); highest among the groups gnomAD compares: Admixed American, 0.013%; no homozygotes.

Submissions (2):

CeGaT Center for Human Genetics Tuebingen
Classification: Uncertain significance. Last evaluated: 2025-09-01. Review status: criteria provided, single submitter. Criteria: CeGaT Center For Human Genetics Tuebingen Variant Classification Criteria Version 2. Collection method: clinical testing. Allele origin: germline. Affected: yes. Observed: 1 variant allele.
Comment: WAC: PM2

Women's Health and Genetics/Laboratory Corporation of America, LabCorp
Classification: Uncertain significance. Last evaluated: 2025-04-09. Review status: criteria provided, single submitter. Criteria: LabCorp Variant Classification Summary - May 2015. Collection method: clinical testing. Allele origin: germline.
Comment: Variant summary: WAC c.356A>G (p.Asn119Ser) results in a conservative amino acid change in the encoded protein sequence. Four of five in-silico tools predict a benign effect of the variant on protein function. The variant allele was found at a frequency of 4.4e-06 in 229188 control chromosomes. The available data on variant occurrences in the general population are insufficient to allow any conclusion about variant significance. To our knowledge, no occurrence of c.356A>G in individuals affected with Desanto-Shinawi Syndrome and no experimental evidence demonstrating its impact on protein function have been reported. No submitters have cited clinical-significance assessments for this variant to ClinVar. Based on the evidence outlined above, the variant was classified as uncertain significance.

NM_016628.5(WAC):c.356A>G (p.Asn119Ser)

Gene: WAC (WW domain containing adaptor with coiled-coil; plus strand). Cytogenetic location: 10p12.1.
Variant type: single nucleotide variant.
Coding change: c.356A>G on transcript NM_016628.5 (MANE Select); coding-DNA position 356, A replaced by G.
Protein change: p.Asn119Ser; replaces asparagine 119 with serine.
Molecular consequence: missense variant.
Genome position (GRCh38, 1-based): chr10:28,583,480, A>G. VCF-style: chr10-28583480-A-G. GRCh37 (hg19) VCF-style: chr10-28872409-A-G.
Other names: c.221A>G, p.Asn74Ser (NM_100264.3); c.356A>G, p.Asn119Ser (NM_100486.4); short protein forms N119S, N74S.
Identifiers: ClinVar variation 3896387 (VCV003896387.9).
Genomic context (GRCh38, chr10:28,583,480, plus strand): 5'-AAAATTCACACAACCACAGTGCTCTTCATAGTTCAAATTCACATTCTTCTAATCCAAGCA[A>G]TAACCCAAGCAAAACTTCAGATGCAGTAAGTATTATAAACATGTCCAATATGGTTTCTTT-3'
Protein context (NP_057712.2, residues 109-129): SSNSHSSNPS[Asn119Ser]NPSKTSDAPY